The following is an entry in ClinVar:

NM_022915.5(MRPL44):c.929A>G (p.Asn310Ser)

Gene: MRPL44 (mitochondrial ribosomal protein L44; plus strand). Cytogenetic location: 2q36.1.
Variant type: single nucleotide variant.
Coding change: c.929A>G on transcript NM_022915.5 (MANE Select); coding-DNA position 929, A replaced by G.
Protein change: p.Asn310Ser; replaces asparagine 310 with serine.
Molecular consequence: missense variant.
Genome position (GRCh38, 1-based): chr2:223,966,964, A>G. VCF-style: chr2-223966964-A-G. GRCh37 (hg19) VCF-style: chr2-224831681-A-G.
Other names: short protein forms N310S.
Identifiers: ClinVar variation 1521455 (VCV001521455.6), dbSNP rs768911679, ClinGen allele CA2139155.

ClinVar aggregate classification (germline): Uncertain significance (1 of 4 stars; one submission).

Allele frequency attached by ClinVar (database versions not stated): gnomAD 0.00001; gnomAD exomes 0.00001 and 0.00006; ExAC 0.00002; TOPMed 0.00002.
gnomAD v4.1: 19 of 1,614,076 alleles (0.0012%); highest among the groups gnomAD compares: Admixed American, 0.03%; no homozygotes.

Submission:

Labcorp Genetics (formerly Invitae), Labcorp
Classification: Uncertain significance. Last evaluated: 2024-02-06. Review status: criteria provided, single submitter. Criteria: Invitae Variant Classification Sherloc (09022015). Collection method: clinical testing. Allele origin: germline.
Comment: This sequence change replaces asparagine, which is neutral and polar, with serine, which is neutral and polar, at codon 310 of the MRPL44 protein (p.Asn310Ser). This variant is present in population databases (rs768911679, gnomAD 0.04%). This variant has not been reported in the literature in individuals affected with MRPL44-related conditions. ClinVar contains an entry for this variant (Variation ID: 1521455). An algorithm developed to predict the effect of missense changes on protein structure and function (PolyPhen-2) suggests that this variant is likely to be tolerated. In summary, the available evidence is currently insufficient to determine the role of this variant in disease. Therefore, it has been classified as a Variant of Uncertain Significance.